The following is an entry in ClinVar:

ClinVar aggregate classification (germline): Benign (1 of 4 stars; one submission).

Allele frequency attached by ClinVar (database versions not stated): 1000 Genomes Project 30x 0.24454; TOPMed 0.28469; gnomAD 0.28810; gnomAD exomes 0.35102.
gnomAD v4.1: 157,400 of 468,401 alleles (34%); highest among the groups gnomAD compares: Admixed American, 41%; 19,383 homozygotes.

Submission:

Unidad de Genómica Garrahan, Hospital de Pediatría Garrahan
Classification: Benign. Last evaluated: 2024-07-15. Review status: criteria provided, single submitter. Criteria: ACMG Guidelines, 2015. Collection method: clinical testing. Allele origin: germline. Affected: no. Observed: 29 variant alleles.
Comment: This variant is classified as Benign based on local population frequency. This variant was detected in 31% of patients studied in a panel designed for Epileptic and Developmental Encephalopathy and Progressive Myoclonus Epilepsy. Number of patients: 29. Only high quality variants are reported.

NM_005660.3(SLC35A2):c.426+188C>T

Gene: SLC35A2 (solute carrier family 35 member A2; minus strand). Cytogenetic location: Xp11.23.
Variant type: single nucleotide variant.
Coding change: c.426+188C>T on transcript NM_005660.3 (MANE Select); 188 bases into the intron after coding-DNA position 426, C replaced by T.
Molecular consequence: intron variant.
Genome position (GRCh38, 1-based): chrX:48,906,204, G>A on the plus strand (C>T on the coding strand, the complement: SLC35A2 is on the minus strand). VCF-style: chrX-48906204-G-A. GRCh37 (hg19) VCF-style: chrX-48763481-A-A.
Other names: c.243+188C>T (NM_001282649.2); c.426+188C>T (NM_001282647.2, NM_001042498.3, NM_001032289.3); c.510+188C>T (NM_001282651.2); c.465+188C>T (NM_001282650.2); c.354+188C>T (NM_001282648.2).
Identifiers: ClinVar variation 3255296 (VCV003255296.2), dbSNP rs717193.
Genomic context (GRCh38, chrX:48,906,204, plus strand): 5'-TCTGTCACCAATCAAGGGCTCTTCACAGGTATTATTTCTTTTAAGTATCCTAGCATCTCA[G>A]TGAACAGGCATTACTATTTCCACCCCCAATTTTCACAGACGAGAAAAGGGAGGTTGAAGG-3'